The following is an entry in ClinVar:

NM_020937.4(FANCM):c.1430C>G (p.Thr477Ser)

Gene: FANCM (FA complementation group M; plus strand). Cytogenetic location: 14q21.2.
Variant type: single nucleotide variant.
Coding change: c.1430C>G on transcript NM_020937.4 (MANE Select); coding-DNA position 1430, C replaced by G.
Protein change: p.Thr477Ser; replaces threonine 477 with serine.
Molecular consequence: missense variant.
Genome position (GRCh38, 1-based): chr14:45,159,129, C>G. VCF-style: chr14-45159129-C-G. GRCh37 (hg19) VCF-style: chr14-45628332-C-G.
Other names: c.1352C>G, p.Thr451Ser (NM_001308133.2); c.1430C>G, p.Thr477Ser (NM_001308134.2); short protein forms T451S, T477S.
Identifiers: ClinVar variation 3848813 (VCV003848813.1).

ClinVar aggregate classification (germline): Uncertain significance (1 of 4 stars; one submission).

Conditions:
Inborn genetic diseases. Identifiers: MedGen C0950123, MeSH D030342.

Submission:

Ambry Genetics
Classification: Uncertain significance for Inborn genetic diseases. Last evaluated: 2025-03-10. Review status: criteria provided, single submitter. Criteria: Ambry Variant Classification Scheme 2023. Collection method: clinical testing. Allele origin: germline.
Comment: The p.T477S variant (also known as c.1430C>G), located in coding exon 9 of the FANCM gene, results from a C to G substitution at nucleotide position 1430. The threonine at codon 477 is replaced by serine, an amino acid with similar properties. This amino acid position is conserved. In addition, this alteration is predicted to be tolerated by in silico analysis. Based on the available evidence, the clinical significance of this variant remains unclear.